The following is an entry in ClinVar:

NM_003124.5(SPR):c.673C>A (p.Leu225Met)

Gene: SPR (sepiapterin reductase; plus strand). Cytogenetic location: 2p13.2.
Variant type: single nucleotide variant.
Coding change: c.673C>A on transcript NM_003124.5 (MANE Select); coding-DNA position 673, C replaced by A.
Protein change: p.Leu225Met; replaces leucine 225 with methionine.
Molecular consequence: missense variant.
Genome position (GRCh38, 1-based): chr2:72,891,424, C>A. VCF-style: chr2-72891424-C-A. GRCh37 (hg19) VCF-style: chr2-73118553-C-A.
Other names: short protein forms L225M.
Identifiers: ClinVar variation 3353493 (VCV003353493.1).
Genomic context (GRCh38, chr2:72,891,424, plus strand): 5'-ATGCAGCAGTTGGCCCGGGAGACCTCCGTGGACCCAGACATGCGAAAAGGGCTGCAGGAG[C>A]TGAAGGCAAAGGGGAAGCTGGTGGATTGCAAGGTGTCAGCCCAGAAACTGCTGAGCTTAC-3'
Protein context (NP_003115.1, residues 215-235): DPDMRKGLQE[Leu225Met]KAKGKLVDCK

ClinVar aggregate classification (germline): Uncertain significance (0 of 4 stars; one submission).

Conditions:
SPR-related disorder. Also called: SPR-related condition.

Submission:

PreventionGenetics, part of Exact Sciences
Classification: Uncertain significance for SPR-related condition. Last evaluated: 2024-07-25. Review status: no assertion criteria provided. Collection method: clinical testing. Allele origin: germline.
Comment: The SPR c.673C>A variant is predicted to result in the amino acid substitution p.Leu225Met. To our knowledge, this variant has not been reported in the literature or in a large population database, indicating this variant is rare. At this time, the clinical significance of this variant is uncertain due to the absence of conclusive functional and genetic evidence.